The following is an entry in ClinVar:

NM_001330360.2(POLA1):c.460G>T (p.Asp154Tyr)

Gene: POLA1 (DNA polymerase alpha 1, catalytic subunit; plus strand). Cytogenetic location: Xp22.11.
Variant type: single nucleotide variant.
Coding change: c.460G>T on transcript NM_001330360.2 (MANE Select); coding-DNA position 460, G replaced by T.
Protein change: p.Asp154Tyr; replaces aspartic acid 154 with tyrosine.
Molecular consequence: missense variant. On other transcripts: non-coding transcript variant (2).
Genome position (GRCh38, 1-based): chrX:24,714,667, G>T. VCF-style: chrX-24714667-G-T. GRCh37 (hg19) VCF-style: chrX-24732784-G-T.
Other names: c.460G>T, p.Asp154Tyr (NM_001378303.1); c.442G>T, p.Asp148Tyr (NM_016937.4); short protein forms D148Y, D154Y.
Identifiers: ClinVar variation 1077856 (VCV001077856.32), dbSNP rs753155937, ClinGen allele CA10372784.
Genomic context (GRCh38, chrX:24,714,667, plus strand): 5'-GTGACAAAACCGAACAACATTAAGTCAATGTTCATTGCTTGTGCTGGAAAGAAAACTGCA[G>T]ATGTGAGTTTCATGGTTTCCTTATTTTTTGTATTTTCCTTTGTGAGGTGAATTTAATATT-3'
Protein context (NP_001317289.1, residues 144-164): FIACAGKKTA[Asp154Tyr]KAVDLSKDGL

ClinVar aggregate classification (germline): Likely benign. Review status: criteria provided, multiple submitters, no conflicts (2 of 4 stars). 2 submissions from 2 submitters: Likely benign (2). Last evaluated 2024-08-01.

Allele frequency attached by ClinVar (database versions not stated): gnomAD 0.00002 and 0.00004; TOPMed 0.00002; gnomAD exomes 0.00007 and 0.00010; ExAC 0.00017.
gnomAD v4.1: 73 of 1,091,941 alleles (0.0067%); highest among the groups gnomAD compares: South Asian, 0.11%; no homozygotes.

Submissions (2):

CeGaT Center for Human Genetics Tuebingen
Classification: Likely benign. Last evaluated: 2024-08-01. Review status: criteria provided, single submitter. Criteria: CeGaT Center For Human Genetics Tuebingen Variant Classification Criteria Version 2. Collection method: clinical testing. Allele origin: germline. Affected: yes. Observed: 2 variant alleles.
Comment: POLA1: BP4, BS2

Labcorp Genetics (formerly Invitae), Labcorp
Classification: Likely benign. Last evaluated: 2024-03-30. Review status: criteria provided, single submitter. Criteria: Invitae Variant Classification Sherloc (09022015). Collection method: clinical testing. Allele origin: germline.